The following is an entry in ClinVar:

ClinVar aggregate classification (germline): Uncertain significance (1 of 4 stars; one submission).

Submission:

Ambry Genetics
Classification: Uncertain significance. Last evaluated: 2025-03-29. Review status: criteria provided, single submitter. Criteria: Ambry Variant Classification Scheme 2023. Collection method: clinical testing. Allele origin: germline.
Comment: The p.P1109L variant (also known as c.3326C>T), located in coding exon 2 of the MLH3 gene, results from a C to T substitution at nucleotide position 3326. The proline at codon 1109 is replaced by leucine, an amino acid with similar properties. This amino acid position is conserved. In addition, this alteration is predicted to be deleterious by in silico analysis. Based on the available evidence, the clinical significance of this variant remains unclear.

NM_001040108.2(MLH3):c.3326C>T (p.Pro1109Leu)

Gene: MLH3 (mutL homolog 3; minus strand). Cytogenetic location: 14q24.3.
Variant type: single nucleotide variant.
Coding change: c.3326C>T on transcript NM_001040108.2 (MANE Select); coding-DNA position 3326, C replaced by T.
Protein change: p.Pro1109Leu; replaces proline 1109 with leucine.
Molecular consequence: missense variant.
Genome position (GRCh38, 1-based): chr14:75,042,432, G>A on the plus strand (C>T on the coding strand, the complement: MLH3 is on the minus strand). VCF-style: chr14-75042432-G-A. GRCh37 (hg19) VCF-style: chr14-75509135-G-A.
Other names: c.3326C>T, p.Pro1109Leu (NM_014381.3); short protein forms P1109L.
Identifiers: ClinVar variation 4055435 (VCV004055435.1).